The following is an entry in ClinVar:

ClinVar aggregate classification (germline): Likely benign. Review status: criteria provided, multiple submitters, no conflicts (2 of 4 stars). 2 submissions from 2 submitters: Likely benign (2). Last evaluated 2026-01-18.

Conditions:
Combined immunodeficiency due to STK4 deficiency (IMD110). Also called: STK4 DEFICIENCY; MST1 DEFICIENCY; T-cell immunodeficiency, recurrent infections, and autoimmunity with or without cardiac malformations. Identifiers: Orphanet 314689, MedGen C3553943, MONDO:0013934, OMIM 614868.

Allele frequency attached by ClinVar (database versions not stated): gnomAD 0.00001; gnomAD exomes 0.00001; TOPMed 0.00002.
gnomAD v4.1: 21 of 1,612,912 alleles (0.0013%); highest among the groups gnomAD compares: Middle Eastern, 0.033%; no homozygotes.

Submissions (2):

Labcorp Genetics (formerly Invitae), Labcorp
Classification: Likely benign for Combined immunodeficiency due to STK4 deficiency. Last evaluated: 2026-01-18. Review status: criteria provided, single submitter. Criteria: Invitae Variant Classification Sherloc (09022015). Collection method: clinical testing. Allele origin: germline.

CeGaT Center for Human Genetics Tuebingen
Classification: Likely benign. Last evaluated: 2024-01-01. Review status: criteria provided, single submitter. Criteria: CeGaT Center For Human Genetics Tuebingen Variant Classification Criteria Version 2. Collection method: clinical testing. Allele origin: germline. Affected: yes. Observed: 1 variant allele.
Comment: STK4: BP4, BP7

NM_006282.5(STK4):c.1284A>G (p.Pro428=)

Gene: STK4 (serine/threonine kinase 4; plus strand). Cytogenetic location: 20q13.12.
Variant type: single nucleotide variant.
Coding change: c.1284A>G on transcript NM_006282.5 (MANE Select); coding-DNA position 1284, A replaced by G.
Protein change: p.Pro428=; no amino-acid change (proline 428 retained).
Molecular consequence: synonymous variant.
Genome position (GRCh38, 1-based): chr20:45,025,109, A>G. VCF-style: chr20-45025109-A-G. GRCh37 (hg19) VCF-style: chr20-43653750-A-G.
Other names: c.1284A>G, p.Pro428= (NM_001352385.2).
Identifiers: ClinVar variation 3026008 (VCV003026008.24), dbSNP rs1036990057, ClinGen allele CA315499452.